The following is an entry in ClinVar:

NM_212482.4(FN1):c.7249C>T (p.Arg2417Trp)

Genes: ATIC (5-aminoimidazole-4-carboxamide ribonucleotide formyltransferase/IMP cyclohydrolase; plus strand), FN1 (fibronectin 1; minus strand). Cytogenetic location: 2q35.
Variant type: single nucleotide variant.
Coding change: c.7249C>T on transcript NM_212482.4 (MANE Select); coding-DNA position 7249, C replaced by T.
Protein change: p.Arg2417Trp; replaces arginine 2417 with tryptophan.
Molecular consequence: missense variant.
Genome position (GRCh38, 1-based): chr2:215,364,881, G>A on the plus strand (C>T on the coding strand, the complement: FN1 is on the minus strand). VCF-style: chr2-215364881-G-A. GRCh37 (hg19) VCF-style: chr2-216229604-G-A.
Other names: c.7249C>T (NM_212482.2); c.7156C>T, p.Arg2386Trp (NM_001306129.2); c.6619C>T, p.Arg2207Trp (NM_001306130.2); c.6613C>T, p.Arg2205Trp (NM_001306131.2); c.6538C>T, p.Arg2180Trp (NM_001306132.2); c.6979C>T, p.Arg2327Trp (NM_001365517.2); c.6976C>T, p.Arg2326Trp (NM_001365518.2); c.6904C>T, p.Arg2302Trp (NM_001365519.2); and 9 more; short protein forms R2271W, R2206W, R2207W, R2301W, R2327W, R2180W, R2295W, R2417W.
Identifiers: ClinVar variation 1450527 (VCV001450527.9), dbSNP rs917976746, ClinGen allele CA64836745.
Genomic context (GRCh38, chr2:215,364,881, plus strand): 5'-CAGGAGCCCACCCTTTATCTTATCTAACTTGTAGGGAGCCTGGCACATCCAGTCTTACCC[G>A]CTGGCCTCCAAAGCATGTGCAGGAGCAAATGGCACCGAGATATTCCTTCTGCCACTGTTC-3'
Protein context (NP_997647.2, residues 2407-2427): ICSCTCFGGQ[Arg2417Trp]GWRCDNCRRP

ClinVar aggregate classification (germline): Uncertain significance (1 of 4 stars; one submission).

Conditions:
Spondylometaphyseal dysplasia - Sutcliffe type. Also called: Spondylometaphyseal dysplasia, 'corner fracture' type; Spondylometaphyseal Dysplasia, Corner Fracture Type; Sutcliffe type of spondylometaphyseal dysplasia; Sutcliffe SMD. Identifiers: Orphanet 93315, MedGen C0432221, MONDO:0008479, OMIM 184255.
Glomerulopathy with fibronectin deposits 2 (GFND2). Identifiers: Orphanet 84090, MedGen C1866075, MONDO:0011165, OMIM 601894.

Allele frequency attached by ClinVar (database versions not stated): gnomAD exomes 0.00002; gnomAD 0.00004; TOPMed 0.00005.
gnomAD v4.1: 38 of 1,551,938 alleles (0.0024%); highest among the groups gnomAD compares: Non-Finnish European, 0.0031%; no homozygotes.

Submission:

Labcorp Genetics (formerly Invitae), Labcorp
Classification: Uncertain significance. Last evaluated: 2025-06-12. Review status: criteria provided, single submitter. Criteria: Invitae Variant Classification Sherloc (09022015). Collection method: clinical testing. Allele origin: germline.
Comment: This sequence change replaces arginine, which is basic and polar, with tryptophan, which is neutral and slightly polar, at codon 2417 of the FN1 protein (p.Arg2417Trp). The frequency data for this variant in the population databases is considered unreliable, as metrics indicate poor data quality at this position in the gnomAD database. This variant has not been reported in the literature in individuals affected with FN1-related conditions. ClinVar contains an entry for this variant (Variation ID: 1450527). An algorithm developed to predict the effect of missense changes on protein structure and function (PolyPhen-2) suggests that this variant is likely to be disruptive. In summary, the available evidence is currently insufficient to determine the role of this variant in disease. Therefore, it has been classified as a Variant of Uncertain Significance.